The following is an entry in ClinVar:

ClinVar aggregate classification (germline): Pathogenic/Likely pathogenic. Review status: criteria provided, multiple submitters, no conflicts (2 of 4 stars). 3 submissions from 3 submitters: Pathogenic (2); Likely pathogenic (1). Last evaluated 2026-01-20.

Conditions:
Ataxia, early-onset, with oculomotor apraxia and hypoalbuminemia (EAOH). Also called: Ataxia-oculomotor apraxia type 1; ATAXIA-OCULOMOTOR APRAXIA SYNDROME; ATAXIA-TELANGIECTASIA-LIKE SYNDROME. Identifiers: Orphanet 1168, MedGen C1859598, MONDO:0008842, OMIM 208920.

Allele frequency attached by ClinVar (database versions not stated): gnomAD 0.00001; gnomAD exomes 0.00001; TOPMed 0.00001.
gnomAD v4.1: 18 of 1,614,076 alleles (0.0011%); highest among the groups gnomAD compares: African/African-American, 0.0027%; no homozygotes.

Submissions (3):

Labcorp Genetics (formerly Invitae), Labcorp
Classification: Pathogenic. Last evaluated: 2026-01-20. Review status: criteria provided, single submitter. Criteria: Invitae Variant Classification Sherloc (09022015). Collection method: clinical testing. Allele origin: germline.
Comment: This sequence change creates a premature translational stop signal (p.Arg16*) in the APTX gene. It is expected to result in an absent or disrupted protein product. Loss-of-function variants in APTX are known to be pathogenic (PMID: 15719174, 21465257, 23183622, 26285866). This variant is not present in population databases (gnomAD no frequency). This variant has not been reported in the literature in individuals affected with APTX-related conditions. ClinVar contains an entry for this variant (Variation ID: 930027). For these reasons, this variant has been classified as Pathogenic.

Women's Health and Genetics/Laboratory Corporation of America, LabCorp
Classification: Pathogenic for Ataxia, early-onset, with oculomotor apraxia and hypoalbuminemia. Last evaluated: 2025-06-13. Review status: criteria provided, single submitter. Criteria: LabCorp Variant Classification Summary - May 2015. Collection method: clinical testing. Allele origin: germline.
Comment: Variant summary: APTX c.46C>T (p.Arg16X) results in a premature termination codon, predicted to cause a truncation of the encoded protein or absence of the protein due to nonsense mediated decay, which are commonly known mechanisms for disease. The variant was absent in 251432 control chromosomes. To our knowledge, no occurrence of c.46C>T in individuals affected with Ataxia, Early-Onset, With Oculomotor Apraxia And Hypoalbuminemia and no experimental evidence demonstrating its impact on protein function have been reported. ClinVar contains an entry for this variant (Variation ID: 930027). Based on the evidence outlined above, the variant was classified as pathogenic.

Laboratory for Molecular Medicine, Mass General Brigham Personalized Medicine
Classification: Likely pathogenic for Ataxia, early-onset, with oculomotor apraxia and hypoalbuminemia. Last evaluated: 2020-03-31. Review status: criteria provided, single submitter. Criteria: LMM Criteria. Collection method: clinical testing. Allele origin: germline. Inheritance: Autosomal recessive inheritance. Observed: 1 variant allele.
Comment: The p.Arg16X variant in APTX has not been previously reported in individuals with ataxia-oculomotor apraxia type 1 and was absent from large population studies. This nonsense variant leads to a premature termination codon at position 16, which is predicted to lead to a truncated or absent protein. Loss of function of the APTX gene is an established disease mechanism in autosomal recessive ataxia-oculomotor apraxia type 1. In summary, this variant meets criteria to be classified as likely pathogenic for autosomal recessive ataxia with ataxia-oculomotor apraxia type 1. ACMG/AMP Criteria applied: PM2, PVS1.

Literature cited by the submitters: PubMed 15719174 (cited by Labcorp Genetics (formerly Invitae), Labcorp); PubMed 21465257 (cited by Labcorp Genetics (formerly Invitae), Labcorp); PubMed 23183622 (cited by Labcorp Genetics (formerly Invitae), Labcorp); PubMed 26285866 (cited by Labcorp Genetics (formerly Invitae), Labcorp).

NM_001195248.2(APTX):c.46C>T (p.Arg16Ter)

Gene: APTX (aprataxin; minus strand). Cytogenetic location: 9p21.1.
Variant type: single nucleotide variant.
Coding change: c.46C>T on transcript NM_001195248.2 (MANE Select); coding-DNA position 46, C replaced by T.
Protein change: p.Arg16Ter; replaces arginine 16 with a stop codon.
Molecular consequence: nonsense. On other transcripts: 5 prime UTR variant (8), non-coding transcript variant (13).
Genome position (GRCh38, 1-based): chr9:32,989,846, G>A on the plus strand (C>T on the coding strand, the complement: APTX is on the minus strand). VCF-style: chr9-32989846-G-A. GRCh37 (hg19) VCF-style: chr9-32989844-G-A.
Other names: c.46C>T, p.Arg16Ter (NM_001195249.2, NM_001195250.2, NM_001195251.2 and 11 more transcripts); c.-214C>T (NM_001369002.1, NM_001369003.1, NM_001369005.1 and 4 more transcripts); c.-172C>T (NM_001369004.1); short protein forms R16*.
Identifiers: ClinVar variation 930027 (VCV000930027.9), dbSNP rs1015321377, ClinGen allele CA373181237.